The following is an entry in ClinVar:

ClinVar aggregate classification (germline): Uncertain significance (1 of 4 stars; one submission).

Submission:

Labcorp Genetics (formerly Invitae), Labcorp
Classification: Uncertain significance. Last evaluated: 2022-12-03. Review status: criteria provided, single submitter. Criteria: Invitae Variant Classification Sherloc (09022015). Collection method: clinical testing. Allele origin: germline.
Comment: In summary, the available evidence is currently insufficient to determine the role of this variant in disease. Therefore, it has been classified as a Variant of Uncertain Significance. Advanced modeling of protein sequence and biophysical properties (such as structural, functional, and spatial information, amino acid conservation, physicochemical variation, residue mobility, and thermodynamic stability) performed at Invitae indicates that this missense variant is not expected to disrupt COMP protein function. This variant has not been reported in the literature in individuals affected with COMP-related conditions. This variant is not present in population databases (gnomAD no frequency). This sequence change replaces glutamic acid, which is acidic and polar, with glycine, which is neutral and non-polar, at codon 661 of the COMP protein (p.Glu661Gly).

NM_000095.3(COMP):c.1982A>G (p.Glu661Gly)

Gene: COMP (cartilage oligomeric matrix protein; minus strand). Cytogenetic location: 19p13.11.
Variant type: single nucleotide variant.
Coding change: c.1982A>G on transcript NM_000095.3 (MANE Select); coding-DNA position 1982, A replaced by G.
Protein change: p.Glu661Gly; replaces glutamic acid 661 with glycine.
Molecular consequence: missense variant.
Genome position (GRCh38, 1-based): chr19:18,784,296, T>C on the plus strand (A>G on the coding strand, the complement: COMP is on the minus strand). VCF-style: chr19-18784296-T-C. GRCh37 (hg19) VCF-style: chr19-18895106-T-C.
Other names: short protein forms E661G.
Identifiers: ClinVar variation 2818196 (VCV002818196.3), dbSNP rs2512844626, ClinGen allele CA404877201.